The following is an entry in ClinVar:

NC_000002.12:g.(?_44320179)_(44346410_?)del

Genes: PREPL (prolyl endopeptidase like; minus strand), SLC3A1 (solute carrier family 3 member 1; plus strand). Cytogenetic location: 2p21.
Variant type: Deletion.
Identifiers: ClinVar variation 832574 (VCV000832574.2).

ClinVar aggregate classification (germline): Pathogenic. Review status: criteria provided, single submitter (1 of 4 stars). 2 submissions from 1 submitter: Pathogenic (2). Last evaluated 2019-06-04.

Conditions:
Cystinuria (CSNU). Also called: CYSTINURIA, TYPE I; CYSTINURIA, TYPE II; CYSTINURIA, TYPE III; Cystinuria, non-type I. Identifiers: Orphanet 214, MedGen C0010691, MONDO:0009067, OMIM 220100, HP:0003131.
Myasthenic syndrome, congenital, 22 (CMS22). Also called: PREPL DEFICIENCY. Identifiers: MedGen C4479088, MONDO:0044299, OMIM 616224.

Submissions (2):

Labcorp Genetics (formerly Invitae), Labcorp
Classification: Pathogenic for Myasthenic syndrome, congenital, 22. Last evaluated: 2019-06-04. Review status: criteria provided, single submitter. Criteria: Invitae Variant Classification Sherloc (09022015). Collection method: clinical testing. Allele origin: germline.
Comment: This variant is a gross deletion of the genomic region encompassing exons 2-14 of the PREPL gene. The 5' boundary is likely confined to intron 1. If SLC3A1 has been tested and no copy number events are reported for it, then the 3' boundary of this event lies between the PREPL and SLC3A1 genes. If SLC3A1 has not been tested, the 3' end of this event is unknown as it extends beyond the assayed region of this test. This is expected to result in an absent or disrupted protein product.. Isolated deletions of exons 2-14 of PREPL have not been reported in the literature. However, larger copy number events that include this region have been reported in individuals affected with hypotonia-cystinuria syndrome (PMID: 24610330, 22796000, 24610330). For these reasons, this variant has been classified as Pathogenic.

Labcorp Genetics (formerly Invitae), Labcorp
Classification: Pathogenic for Cystinuria. Last evaluated: 2019-05-25. Review status: criteria provided, single submitter. Criteria: Invitae Variant Classification Sherloc (09022015). Collection method: clinical testing. Allele origin: germline.
Comment: This variant is a gross deletion of the genomic region encompassing exon 10 of the SLC3A1 gene. The 5' boundary is likely confined to intron 9. The 3' end of this event is unknown as it extends through the termination codon beyond the assayed region for this gene and may encompass additional genes. While this deletion is not anticipated to result in nonsense mediated decay, it is expected to create a truncated protein product or disrupt mRNA translation. This variant has been observed in individuals affected with cystinuria and to segregate with disease in a family (PMID: 19782624, 10737983). For these reasons, this variant has been classified as Pathogenic.

Literature cited by the submitters: PubMed 22796000; PubMed 24610330; PubMed 19782624; PubMed 10737983.